The following is an entry in ClinVar:

ClinVar aggregate classification (germline): Benign/Likely benign. Review status: criteria provided, multiple submitters, no conflicts (2 of 4 stars). 8 submissions from 8 submitters: Benign (2); Likely benign (4). 2 of the submissions do not count toward it. Last evaluated 2025-12-03.

Conditions:
BMPR1A-related disorder. Also called: BMPR1A-related condition.
Juvenile polyposis syndrome (JPS). Identifiers: Orphanet 2929, MedGen C0345893, MONDO:0017380, OMIM 174900.
Hereditary cancer-predisposing syndrome. Also called: Tumor predisposition; Hereditary Cancer Syndrome; Hereditary neoplastic syndrome; Neoplastic Syndromes, Hereditary. Identifiers: Orphanet 140162, MedGen C0027672, MeSH D009386, MONDO:0015356.

Allele frequency attached by ClinVar (database versions not stated): gnomAD 0.00003; gnomAD exomes 0.00004 and 0.00002; ExAC 0.00001; TOPMed 0.00002.
gnomAD v4.1: 54 of 1,613,720 alleles (0.0033%); highest among the groups gnomAD compares: Non-Finnish European, 0.0044%; no homozygotes.

Submissions (8):

Labcorp Genetics (formerly Invitae), Labcorp
Classification: Likely benign for Juvenile polyposis syndrome. Last evaluated: 2025-12-03. Review status: criteria provided, single submitter. Criteria: Invitae Variant Classification Sherloc (09022015). Collection method: clinical testing. Allele origin: germline.

Ambry Genetics
Classification: Benign for Hereditary cancer-predisposing syndrome. Last evaluated: 2024-05-23. Review status: criteria provided, single submitter. Criteria: Ambry Variant Classification Scheme 2023. Collection method: clinical testing. Allele origin: germline.

Myriad Genetics, Inc.
Classification: Benign for Juvenile polyposis syndrome. Last evaluated: 2023-03-02. Review status: criteria provided, single submitter. Criteria: Myriad Autosomal Dominant, Autosomal Recessive and X-Linked Classification Criteria (2023). Collection method: clinical testing. Allele origin: unknown.
Comment: This variant is considered benign. This variant is a silent/synonymous amino acid change and it is not expected to impact splicing.

Sema4
Classification: Likely benign for Hereditary cancer-predisposing syndrome. Last evaluated: 2021-07-12. Review status: criteria provided, single submitter. Criteria: Sema4 Curation Guidelines. Collection method: curation. Allele origin: germline.

GeneDx
Classification: Likely benign. Last evaluated: 2017-02-01. Review status: criteria provided, single submitter. Criteria: GeneDx Variant Classification (06012015). Collection method: clinical testing. Allele origin: germline. Affected: yes.
Comment: This variant is considered likely benign or benign based on one or more of the following criteria: it is a conservative change, it occurs at a poorly conserved position in the protein, it is predicted to be benign by multiple in silico algorithms, and/or has population frequency not consistent with disease.

Color Diagnostics, LLC DBA Color Health
Classification: Likely benign for Hereditary cancer-predisposing syndrome. Last evaluated: 2016-12-13. Review status: criteria provided, single submitter. Criteria: ACMG Guidelines, 2015. Collection method: clinical testing. Allele origin: germline.

PreventionGenetics, part of Exact Sciences
Classification: Likely benign for BMPR1A-related condition. Last evaluated: 2022-11-29. Review status: no assertion criteria provided. Collection method: clinical testing. Allele origin: germline. Not counted in ClinVar's aggregate classification.
Comment: This variant is classified as likely benign based on ACMG/AMP sequence variant interpretation guidelines (Richards et al. 2015 PMID: 25741868, with internal and published modifications).

Counsyl
Classification: Likely benign for Juvenile polyposis syndrome. Last evaluated: 2018-03-26. Review status: no assertion criteria provided. Collection method: clinical testing. Allele origin: unknown. Not counted in ClinVar's aggregate classification.

NM_004329.3(BMPR1A):c.510C>T (p.Phe170=)

Gene: BMPR1A (bone morphogenetic protein receptor type 1A; plus strand). Cytogenetic location: 10q23.2.
Variant type: single nucleotide variant.
Coding change: c.510C>T on transcript NM_004329.3 (MANE Select); coding-DNA position 510, C replaced by T.
Protein change: p.Phe170=; no amino-acid change (phenylalanine 170 retained).
Molecular consequence: synonymous variant.
Genome position (GRCh38, 1-based): chr10:86,900,106, C>T. VCF-style: chr10-86900106-C-T. GRCh37 (hg19) VCF-style: chr10-88659863-C-T.
Identifiers: ClinVar variation 183788 (VCV000183788.24), dbSNP rs747266339, ClinGen allele CA186491.
Genomic context (GRCh38, chr10:86,900,106, plus strand): 5'-CATTCGATGGCTGGTTTTGCTCATTTCTATGGCTGTCTGCATAATTGCTATGATCATCTT[C>T]TCCAGCTGCTTTTGTTACAAGTAAGAAGATATTTATTTTGAAGCAAAATATTTTGTCAAA-3'
Protein context (NP_004320.2, residues 160-180): MAVCIIAMII[Phe170=]SSCFCYKHYC